The following is an entry in ClinVar:

NM_003482.4(KMT2D):c.12986A>G (p.Gln4329Arg)

Gene: KMT2D (lysine methyltransferase 2D; minus strand). Cytogenetic location: 12q13.12.
Variant type: single nucleotide variant.
Coding change: c.12986A>G on transcript NM_003482.4 (MANE Select); coding-DNA position 12986, A replaced by G.
Protein change: p.Gln4329Arg; replaces glutamine 4329 with arginine.
Molecular consequence: missense variant.
Genome position (GRCh38, 1-based): chr12:49,031,719, T>C on the plus strand (A>G on the coding strand, the complement: KMT2D is on the minus strand). VCF-style: chr12-49031719-T-C. GRCh37 (hg19) VCF-style: chr12-49425502-T-C.
Other names: short protein forms Q4329R.
Identifiers: ClinVar variation 3367244 (VCV003367244.3).

ClinVar aggregate classification (germline): Conflicting classifications of pathogenicity. Review status: criteria provided, conflicting classifications (1 of 4 stars). 2 submissions from 2 submitters: Uncertain significance (1); Benign (1). Last evaluated 2024-11-27.

Conditions:
Kabuki syndrome. Also called: NIIKAWA-KUROKI SYNDROME; Kabuki make-up syndrome. Identifiers: Orphanet 2322, MedGen C0796004, MONDO:0016512.

Submissions (2):

Labcorp Genetics (formerly Invitae), Labcorp
Classification: Benign for Kabuki syndrome. Last evaluated: 2024-11-27. Review status: criteria provided, single submitter. Criteria: Invitae Variant Classification Sherloc (09022015). Collection method: clinical testing. Allele origin: germline.

GeneDx
Classification: Uncertain significance. Last evaluated: 2023-12-27. Review status: criteria provided, single submitter. Criteria: GeneDx Variant Classification Process June 2021. Collection method: clinical testing. Allele origin: germline. Affected: yes.
Comment: In silico analysis supports that this missense variant does not alter protein structure/function; Has not been previously published as pathogenic or benign to our knowledge